The following is an entry in ClinVar:

ClinVar aggregate classification (germline): Pathogenic (1 of 4 stars; one submission).

Conditions:
Danon disease. Also called: Glycogen Storage Disease Type IIb; ANTOPOL DISEASE; PSEUDOGLYCOGENOSIS II; GSD IIb; LYSOSOMAL GLYCOGEN STORAGE DISEASE WITHOUT ACID MALTASE DEFICIENCY. Identifiers: Orphanet 34587, MedGen C0878677, MONDO:0010281, OMIM 300257.

Submission:

Labcorp Genetics (formerly Invitae), Labcorp
Classification: Pathogenic for Danon disease. Last evaluated: 2025-02-12. Review status: criteria provided, single submitter. Criteria: Invitae Variant Classification Sherloc (09022015). Collection method: clinical testing. Allele origin: germline.
Comment: This sequence change creates a premature translational stop signal (p.Thr258Asnfs*16) in the LAMP2 gene. It is expected to result in an absent or disrupted protein product. Loss-of-function variants in LAMP2 are known to be pathogenic (PMID: 21415759). This variant is not present in population databases (gnomAD no frequency). This variant has not been reported in the literature in individuals affected with LAMP2-related conditions. For these reasons, this variant has been classified as Pathogenic.

Literature cited by the submitters: PubMed 21415759.

NM_002294.3(LAMP2):c.772dup (p.Thr258fs)

Gene: LAMP2 (lysosome associated membrane protein 2; minus strand). Cytogenetic location: Xq24.
Variant type: Duplication.
Coding change: c.772dup on transcript NM_002294.3 (MANE Select); coding-DNA position 772, one base duplicated (A; older notation c.772dupA).
Protein change: p.Thr258fs; shifts the reading frame from threonine 258.
Molecular consequence: frameshift variant.
Genome position (GRCh38, 1-based): chrX:120,446,397, T duplicated on the plus strand (A on the coding strand, the reverse complement: LAMP2 is on the minus strand). VCF-style (leftmost placement, unchanged base first): chrX-120446396-G-GT. GRCh37 (hg19) VCF-style: chrX-119580251-G-GT.
Other names: c.772dup, p.Thr258fs (NM_001122606.1, NM_013995.2); short protein forms T258fs.
Identifiers: ClinVar variation 3704970 (VCV003704970.2).